The following is an entry in ClinVar:

ClinVar aggregate classification (germline): Uncertain significance (1 of 4 stars; one submission).

Submission:

Labcorp Genetics (formerly Invitae), Labcorp
Classification: Uncertain significance. Last evaluated: 2025-01-14. Review status: criteria provided, single submitter. Criteria: Invitae Variant Classification Sherloc (09022015). Collection method: clinical testing. Allele origin: germline.
Comment: This sequence change affects a donor splice site in intron 26 of the COL9A3 gene. Variants that disrupt the donor or acceptor splice site typically lead to a loss of protein function (PMID:16199547), however it is unknown whether splice variants in this region will result in a loss of function. This variant is not present in population databases (gnomAD no frequency). This variant has not been reported in the literature in individuals affected with COL9A3-related conditions. Algorithms developed to predict the effect of sequence changes on RNA splicing suggest that this variant may disrupt the consensus splice site. In summary, the available evidence is currently insufficient to determine the role of this variant in disease. Therefore, it has been classified as a Variant of Uncertain Significance.

Literature cited by the submitters: PubMed 16199547.

NM_001853.4(COL9A3):c.1368+1G>T

Gene: COL9A3 (collagen type IX alpha 3 chain; plus strand). Cytogenetic location: 20q13.33.
Variant type: single nucleotide variant.
Coding change: c.1368+1G>T on transcript NM_001853.4 (MANE Select); the canonical splice donor site of the intron after coding-DNA position 1368, G replaced by T.
Molecular consequence: splice donor variant.
Genome position (GRCh38, 1-based): chr20:62,833,065, G>T. VCF-style: chr20-62833065-G-T. GRCh37 (hg19) VCF-style: chr20-61464417-G-T.
Identifiers: ClinVar variation 3729017 (VCV003729017.2).